The following is an entry in ClinVar:

NM_198253.3(TERT):c.411G>T (p.Trp137Cys)

Gene: TERT (telomerase reverse transcriptase; minus strand). Cytogenetic location: 5p15.33.
Variant type: single nucleotide variant.
Coding change: c.411G>T on transcript NM_198253.3 (MANE Select); coding-DNA position 411, G replaced by T.
Protein change: p.Trp137Cys; replaces tryptophan 137 with cysteine.
Molecular consequence: missense variant. On other transcripts: non-coding transcript variant (2).
Genome position (GRCh38, 1-based): chr5:1,294,475, C>A on the plus strand (G>T on the coding strand, the complement: TERT is on the minus strand). VCF-style: chr5-1294475-C-A. GRCh37 (hg19) VCF-style: chr5-1294590-C-A.
Other names: c.411G>T, p.Trp137Cys (NM_001193376.3); short protein forms W137C.
Identifiers: ClinVar variation 546480 (VCV000546480.3), dbSNP rs1554043076, ClinGen allele CA359058084.

ClinVar aggregate classification (germline): Uncertain significance (1 of 4 stars; one submission).

Allele frequency attached by ClinVar (database versions not stated): gnomAD exomes below 0.00001.
gnomAD v4.1: 1 of 1,590,178 alleles (0.000063%); no homozygotes.

Submission:

GeneDx
Classification: Uncertain significance. Last evaluated: 2023-11-08. Review status: criteria provided, single submitter. Criteria: GeneDx Variant Classification Process June 2021. Collection method: clinical testing. Allele origin: germline. Affected: yes.
Comment: Not observed at significant frequency in large population cohorts (gnomAD); In silico analysis supports that this missense variant has a deleterious effect on protein structure/function; Has not been previously published as pathogenic or benign to our knowledge